The following is an entry in ClinVar:

ClinVar aggregate classification (germline): Benign/Likely benign. Review status: criteria provided, multiple submitters, no conflicts (2 of 4 stars). 11 submissions from 10 submitters: Benign (4); Likely benign (7). Last evaluated 2026-06-01.

Conditions:
RYR1-related disorder. Also called: RYR1-related disorders; RYR1-related condition. Identifiers: MedGen CN239331.
Congenital multicore myopathy with external ophthalmoplegia (CMYO1B). Also called: MULTIMINICORE DISEASE WITH EXTERNAL OPHTHALMOPLEGIA; MULTICORE MYOPATHY; Minicore myopathy with external ophthalmoplegia; Congenital myopathy 1B, autosomal recessive; Minicore myopathy. Identifiers: Orphanet 598, Orphanet 98905, MedGen C1850674, MONDO:0009712, OMIM 255320, HP:0003789.
Malignant hyperthermia, susceptibility to, 1 (MHS1). Also called: Anesthesia related hyperthermia; Malignant hyperpyrexia; Fulminating hyperpyrexia; Pharmacogenic myopathy; RYR1-Related Malignant Hyperthermia Susceptibility; Malignant hyperthermia suceptibility 1. Identifiers: Orphanet 423, MedGen C2930980, MONDO:0007783, OMIM 145600.

Allele frequency attached by ClinVar (database versions not stated): gnomAD exomes 0.00029 and 0.00076; ExAC 0.00096; gnomAD 0.00297 and 0.00319; ESP Exome Variant Server 0.00300; 1000 Genomes Project 30x 0.00312; 1000 Genomes Project 0.00319; TOPMed 0.00332.
gnomAD v4.1: 911 of 1,614,198 alleles (0.056%); highest among the groups gnomAD compares: African/African-American, 1%; 3 homozygotes.

Submissions (11):

CeGaT Center for Human Genetics Tuebingen
Classification: Likely benign. Last evaluated: 2026-06-01. Review status: criteria provided, single submitter. Criteria: CeGaT Center For Human Genetics Tuebingen Variant Classification Criteria Version 2. Collection method: clinical testing. Allele origin: germline. Affected: yes. Observed: 2 variant alleles.
Comment: RYR1: BP4, BP7, BS1

Labcorp Genetics (formerly Invitae), Labcorp
Classification: Benign for RYR1-related disorder. Last evaluated: 2026-01-11. Review status: criteria provided, single submitter. Criteria: Invitae Variant Classification Sherloc (09022015). Collection method: clinical testing. Allele origin: germline.

Mayo Clinic Laboratories, Mayo Clinic
Classification: Likely benign. Last evaluated: 2025-03-05. Review status: criteria provided, single submitter. Criteria: ACMG Guidelines, 2015. Collection method: clinical testing. Allele origin: germline. Observed: 4 variant alleles.
Comment: BS1, BP4, BP7

Blueprint Genetics
Classification: Likely benign. Last evaluated: 2024-11-13. Review status: criteria provided, single submitter. Criteria: ACMG Guidelines, 2015. Collection method: clinical testing. Allele origin: germline.

All of Us Research Program, National Institutes of Health
Classification: Benign for Malignant hyperthermia, susceptibility to, 1. Last evaluated: 2024-02-05. Review status: criteria provided, single submitter. Criteria: ACMG Guidelines, 2015. Collection method: clinical testing. Allele origin: germline. Inheritance: Autosomal dominant inheritance. Observed: 194 variant alleles, 194 heterozygotes.
Comment: This study involves interpretation of variants in research participants for the purpose of population health screening. Participant phenotype was not available at the time of variant classification. Additional details can be found in publication PMID: 35346344, PMCID: PMC8962531

GeneDx
Classification: Likely benign. Last evaluated: 2021-03-25. Review status: criteria provided, single submitter. Criteria: GeneDx Variant Classification Process June 2021. Collection method: clinical testing. Allele origin: germline. Affected: yes.

Color Diagnostics, LLC DBA Color Health
Classification: Benign for Malignant hyperthermia, susceptibility to, 1. Last evaluated: 2019-03-29. Review status: criteria provided, single submitter. Criteria: ACMG Guidelines, 2015. Collection method: clinical testing. Allele origin: germline.

PreventionGenetics, part of Exact Sciences
Classification: Benign. Last evaluated: 2018-03-12. Review status: criteria provided, single submitter. Criteria: ACMG Guidelines, 2015. Collection method: clinical testing. Allele origin: germline.

Illumina Laboratory Services, Illumina
Classification: Likely benign for Malignant hyperthermia, susceptibility to, 1. Last evaluated: 2018-01-13. Review status: criteria provided, single submitter. Criteria: ICSL Variant Classification Criteria 13 December 2019. Collection method: clinical testing. Allele origin: germline.
Comment: This variant was observed in the ICSL laboratory as part of a predisposition screen in an ostensibly healthy population. It had not been previously curated by ICSL or reported in the Human Gene Mutation Database (HGMD: prior to June 1st, 2018), and was therefore a candidate for classification through an automated scoring system. Utilizing variant allele frequency, disease prevalence and penetrance estimates, and inheritance mode, an automated score was calculated to assess if this variant is too frequent to cause the disease. Based on the score and internal cut-off values, a variant classified as likely benign is not then subjected to further curation. The score for this variant resulted in a classification of likely benign for this disease.

Illumina Laboratory Services, Illumina
Classification: Likely benign for Congenital multicore myopathy with external ophthalmoplegia. Last evaluated: 2018-01-13. Review status: criteria provided, single submitter. Criteria: ICSL Variant Classification Criteria 13 December 2019. Collection method: clinical testing. Allele origin: germline.
Comment: the same text as in the submission from Illumina Laboratory Services, Illumina above.

Eurofins Ntd Llc (ga)
Classification: Likely benign. Last evaluated: 2017-03-30. Review status: criteria provided, single submitter. Criteria: EGL Classification Definitions 2015. Collection method: clinical testing. Allele origin: germline. Observed: 1 variant allele, 1 heterozygote.

NM_000540.3(RYR1):c.2415T>C (p.Pro805=)

Gene: RYR1 (ryanodine receptor 1; plus strand). Cytogenetic location: 19q13.2.
Variant type: single nucleotide variant.
Coding change: c.2415T>C on transcript NM_000540.3 (MANE Select); coding-DNA position 2415, T replaced by C.
Protein change: p.Pro805=; no amino-acid change (proline 805 retained).
Molecular consequence: synonymous variant.
Genome position (GRCh38, 1-based): chr19:38,460,429, T>C. VCF-style: chr19-38460429-T-C. GRCh37 (hg19) VCF-style: chr19-38951069-T-C.
Other names: p.Pro805=; c.2415T>C, p.Pro805= (NM_001042723.2).
Identifiers: ClinVar variation 256473 (VCV000256473.52), dbSNP rs141881325, ClinGen allele CA063230.